The following is an entry in ClinVar:

NM_000088.4(COL1A1):c.2597del (p.Gly866fs)

Gene: COL1A1 (collagen type I alpha 1 chain; minus strand). Cytogenetic location: 17q21.33.
Variant type: Deletion.
Coding change: c.2597del on transcript NM_000088.4 (MANE Select); coding-DNA position 2597, one base deleted (G; older notation c.2597delG).
Protein change: p.Gly866fs; shifts the reading frame from glycine 866.
Molecular consequence: frameshift variant.
Genome position (GRCh38, 1-based): chr17:50,189,875, C deleted on the plus strand (G on the coding strand, the reverse complement: COL1A1 is on the minus strand); the first of 2 consecutive C bases (chr17:50,189,875-50,189,876); deleting either gives the same sequence. VCF-style (leftmost placement, unchanged base first): chr17-50189874-GC-G. GRCh37 (hg19) VCF-style: chr17-48267235-GC-G.
Other names: c.2597delG (NM_000088.4); short protein forms G866fs.
Identifiers: ClinVar variation 2772795 (VCV002772795.6), dbSNP rs2509187069, ClinGen allele CA2697560395.
Genomic context (GRCh38, chr17:50,189,874, plus strand): 5'-CTGGGGAGAGGGGAGAGGCTCAACAGAGAGGCGGGTGATACTCACAGGGGGACCAGCGCT[GC>G]CGCGAGCACCTTTGGCTCCAGGAGCACCAACATTACCCTGTAGGAGAGCACAGAGGCATC-3'

ClinVar aggregate classification (germline): Pathogenic. Review status: criteria provided, multiple submitters, no conflicts (2 of 4 stars). 4 submissions from 4 submitters: Pathogenic (4). Last evaluated 2025-07-16.

Conditions:
Osteogenesis imperfecta type I (OI1). Also called: OI, TYPE I; OSTEOGENESIS IMPERFECTA TARDA; OSTEOGENESIS IMPERFECTA WITH BLUE SCLERAE; Osteogenesis imperfecta type 1; Classic Non-deforming Osteogenesis Imperfecta with Blue Sclerae; Lobstein's Disease. Identifiers: Orphanet 216796, Orphanet 666, MedGen C0023931, MONDO:0008146, OMIM 166200. Disease mechanism: loss of function.
Infantile cortical hyperostosis. Also called: P1PK BLOOD GROUP SYSTEM, P(2) PHENOTYPE; Hyperostosis, Cortical, Congenital; Caffey Disease. Identifiers: Orphanet 1310, MedGen C0020497, MONDO:0007244, OMIM 114000.
Osteogenesis imperfecta type III (OI3). Also called: Progressively Deforming Osteogenesis Imperfecta; Osteogenesis imperfecta type 3; OI type 3; Osteogenesis imperfecta, progressively deforming with normal sclerae; OI type III. Identifiers: Orphanet 216812, Orphanet 666, MedGen C0268362, MONDO:0009804, OMIM 259420.
Ehlers-Danlos syndrome, arthrochalasia type. Also called: Ehlers-Danlos syndrome, arthrochalasis type; Ehlers-Danlos syndrome, arthrochalasia type, 1; ARTHROCHALASIS MULTIPLEX CONGENITA; EDS VII, MUTANT PROCOLLAGEN TYPE; EDS VIIA. Identifiers: Orphanet 1899, Orphanet 99875, Orphanet 99876, MedGen C4551623, MONDO:0007525, OMIM 130060.
Osteoporosis. Identifiers: MedGen C0029456, MONDO:0005298, OMIM 166710, HP:0000939.
Osteogenesis imperfecta, perinatal lethal (OI2). Also called: OSTEOGENESIS IMPERFECTA, TYPE II; OI, TYPE II; OSTEOGENESIS IMPERFECTA CONGENITA; VROLIK TYPE OF OSTEOGENESIS IMPERFECTA; Osteogenesis imperfecta, dominant perinatal lethal; Osteogenesis imperfecta type 2. Identifiers: Orphanet 216804, MedGen C0268358, MONDO:0008147, OMIM 166210.
Combined osteogenesis imperfecta and Ehlers-Danlos syndrome 1. Also called: OIEDS SYNDROME 1. Identifiers: MedGen C5436842, MONDO:0030854, OMIM 619115.
Osteogenesis imperfecta with normal sclerae, dominant form (OI4). Also called: OSTEOGENESIS IMPERFECTA WITH NORMAL SCLERAE; Osteogenesis imperfecta type 4; Common Variable Osteogenesis Imperfecta with Normal Sclerae; OSTEOGENESIS IMPERFECTA, TYPE IV, WITH DENTINOGENESIS IMPERFECTA; Osteogenesis Imperfecta Type IV. Identifiers: Orphanet 216820, Orphanet 666, MedGen C0268363, MONDO:0008148, OMIM 166220.

Submissions (4):

Clinical Biomedical Laboratory, Shriners Hospital For Children - Canada
Classification: Pathogenic for Osteogenesis imperfecta type I. Last evaluated: 2025-07-16. Review status: criteria provided, single submitter. Criteria: ACMG Guidelines, 2015. Collection method: clinical testing. Allele origin: germline. Affected: yes.
Comment: This variant is predicted to substitute a glycine residue by an alanine reside in exon 37 and introduce a stop codon 242 amino acids downstream and is expected to lead to degradation of the affected transcript. Loss-of-function variants in COL1A1 are an established cause of osteogenesis imperfecta (PMID 27509835). We have observed this variant in the Shriners Hospital for Children Canada variant database in more than 5 unrelated individuals diagnosed with osteogenesis imperfecta

Women's Health and Genetics/Laboratory Corporation of America, LabCorp
Classification: Pathogenic for Osteogenesis imperfecta type I. Last evaluated: 2025-07-08. Review status: criteria provided, single submitter. Criteria: LabCorp Variant Classification Summary - May 2015. Collection method: clinical testing. Allele origin: germline.
Comment: Variant summary: COL1A1 c.2597delG (p.Gly866AlafsX242) results in a premature termination codon, predicted to cause a truncation of the encoded protein or absence of the protein due to nonsense mediated decay, which are commonly known mechanisms for disease. The variant was absent in 240716 control chromosomes. To our knowledge, no occurrence of c.2597delG in individuals affected with Osteogenesis imperfecta type I and no experimental evidence demonstrating its impact on protein function have been reported. ClinVar contains an entry for this variant (Variation ID: 2772795). Based on the evidence outlined above, the variant was classified as pathogenic.

Fulgent Genetics
Classification: Pathogenic for Infantile cortical hyperostosis; Ehlers-Danlos syndrome, arthrochalasia type; Osteogenesis imperfecta type I; Osteogenesis imperfecta, perinatal lethal; Osteogenesis imperfecta with normal sclerae, dominant form; Osteoporosis; Osteogenesis imperfecta type III; Combined osteogenesis imperfecta and Ehlers-Danlos syndrome 1. Last evaluated: 2024-05-18. Review status: criteria provided, single submitter. Criteria: ACMG Guidelines, 2015. Collection method: clinical testing. Allele origin: germline.

Labcorp Genetics (formerly Invitae), Labcorp
Classification: Pathogenic for Osteogenesis imperfecta type I. Last evaluated: 2023-11-18. Review status: criteria provided, single submitter. Criteria: Invitae Variant Classification Sherloc (09022015). Collection method: clinical testing. Allele origin: germline.
Comment: This sequence change creates a premature translational stop signal (p.Gly866Alafs*242) in the COL1A1 gene. It is expected to result in an absent or disrupted protein product. Loss-of-function variants in COL1A1 are known to be pathogenic (PMID: 7942841, 9295084, 9443882). This variant is not present in population databases (gnomAD no frequency). This variant has not been reported in the literature in individuals affected with COL1A1-related conditions. For these reasons, this variant has been classified as Pathogenic.

Literature cited by the submitters: PubMed 27509835 (cited by Clinical Biomedical Laboratory, Shriners Hospital For Children - Canada); PubMed 7942841 (cited by Labcorp Genetics (formerly Invitae), Labcorp); PubMed 9295084 (cited by Labcorp Genetics (formerly Invitae), Labcorp); PubMed 9443882 (cited by Labcorp Genetics (formerly Invitae), Labcorp).